The following is an entry in ClinVar:

NM_001105206.3(LAMA4):c.2403G>A (p.Thr801=)

Gene: LAMA4 (laminin subunit alpha 4; minus strand). Cytogenetic location: 6q21.
Variant type: single nucleotide variant.
Coding change: c.2403G>A on transcript NM_001105206.3 (MANE Select); coding-DNA position 2403, G replaced by A.
Protein change: p.Thr801=; no amino-acid change (threonine 801 retained).
Molecular consequence: synonymous variant.
Genome position (GRCh38, 1-based): chr6:112,144,884, C>T on the plus strand (G>A on the coding strand, the complement: LAMA4 is on the minus strand). VCF-style: chr6-112144884-C-T. GRCh37 (hg19) VCF-style: chr6-112466086-C-T.
Other names: c.2382G>A, p.Thr794= (NM_001105207.3, NM_002290.5).
Identifiers: ClinVar variation 163789 (VCV000163789.32), dbSNP rs142559688, ClinGen allele CA176502.

ClinVar aggregate classification (germline): Benign/Likely benign. Review status: criteria provided, multiple submitters, no conflicts (2 of 4 stars). 11 submissions from 11 submitters: Benign (2); Likely benign (6). 3 of the submissions do not count toward it. Last evaluated 2026-07-01.

Conditions:
Cardiovascular phenotype. Identifiers: MedGen CN230736.
LAMA4-related disorder. Also called: LAMA4-related condition.
Dilated cardiomyopathy 1JJ (CMD1JJ). Identifiers: Orphanet 154, MedGen C3808935, MONDO:0014095, OMIM 615235.

Allele frequency attached by ClinVar (database versions not stated): gnomAD exomes 0.00007 and 0.00021; ExAC 0.00022; ESP Exome Variant Server 0.00062; gnomAD 0.00072 and 0.00078; TOPMed 0.00072; 1000 Genomes Project 0.00080; 1000 Genomes Project 30x 0.00094.

Submissions (11):

CeGaT Center for Human Genetics Tuebingen
Classification: Likely benign. Last evaluated: 2026-07-01. Review status: criteria provided, single submitter. Criteria: CeGaT Center For Human Genetics Tuebingen Variant Classification Criteria Version 2. Collection method: clinical testing. Allele origin: germline. Affected: yes. Observed: 1 variant allele.
Comment: LAMA4: BP4, BP7

Labcorp Genetics (formerly Invitae), Labcorp
Classification: Benign for Dilated cardiomyopathy 1JJ. Last evaluated: 2026-01-28. Review status: criteria provided, single submitter. Criteria: Invitae Variant Classification Sherloc (09022015). Collection method: clinical testing. Allele origin: germline.

Women's Health and Genetics/Laboratory Corporation of America, LabCorp
Classification: Benign. Last evaluated: 2025-05-15. Review status: criteria provided, single submitter. Criteria: LabCorp Variant Classification Summary - May 2015. Collection method: clinical testing. Allele origin: germline.

Blueprint Genetics
Classification: Likely benign. Last evaluated: 2024-06-27. Review status: criteria provided, single submitter. Criteria: ACMG Guidelines, 2015. Collection method: clinical testing. Allele origin: germline.

ARUP Laboratories, Molecular Genetics and Genomics, ARUP Laboratories
Classification: Likely benign for Dilated cardiomyopathy 1JJ. Last evaluated: 2019-08-01. Review status: criteria provided, single submitter. Criteria: ARUP Molecular Germline Variant Investigation Process. Collection method: clinical testing. Allele origin: germline.

GeneDx
Classification: Likely benign. Last evaluated: 2019-06-03. Review status: criteria provided, single submitter. Criteria: GeneDx Variant Classification Process June 2021. Collection method: clinical testing. Allele origin: germline. Affected: yes.

Laboratory for Molecular Medicine, Mass General Brigham Personalized Medicine
Classification: Likely benign. Last evaluated: 2015-11-24. Review status: criteria provided, single submitter. Criteria: LMM Criteria. Collection method: clinical testing. Allele origin: germline. Observed: 2 variant alleles.
Comment: p.Thr794Thr in exon 19 of LAMA4: This variant is not expected to have clinical s ignificance because it does not alter an amino acid residue and is not located w ithin the splice consensus sequence. It has been identified in 0.2% (23/10358) o f African chromosomes by the Exome Aggregation Consortium (ExAC; dbSNP rs142559688).

Ambry Genetics
Classification: Likely benign for Cardiovascular phenotype. Last evaluated: 2015-05-27. Review status: criteria provided, single submitter. Criteria: Ambry Variant Classification Scheme 2023. Collection method: clinical testing. Allele origin: germline.

PreventionGenetics, part of Exact Sciences
Classification: Likely benign for LAMA4-related condition. Last evaluated: 2019-04-11. Review status: no assertion criteria provided. Collection method: clinical testing. Allele origin: germline. Not counted in ClinVar's aggregate classification.
Comment: This variant is classified as likely benign based on ACMG/AMP sequence variant interpretation guidelines (Richards et al. 2015 PMID: 25741868, with internal and published modifications).

Clinical Genetics, Academic Medical Center
Classification: Benign. Review status: no assertion criteria provided. Collection method: clinical testing. Allele origin: germline. Affected: yes. Study: VKGL Data-share Consensus. Not counted in ClinVar's aggregate classification.

Diagnostic Laboratory, Department of Genetics, University Medical Center Groningen
Classification: Likely benign for Dilated cardiomyopathy 1JJ. Review status: no assertion criteria provided. Collection method: clinical testing. Allele origin: germline. Affected: yes. Study: VKGL Data-share Consensus. Not counted in ClinVar's aggregate classification.